The following is an entry in ClinVar:

ClinVar aggregate classification (germline): Pathogenic (1 of 4 stars; one submission).

Conditions:
Developmental and epileptic encephalopathy, 23 (DEE23). Also called: Epileptic encephalopathy, early infantile, 23. Identifiers: Orphanet 411986, MedGen C4014492, MONDO:0014371, OMIM 615859.

Submission:

Labcorp Genetics (formerly Invitae), Labcorp
Classification: Pathogenic for Developmental and epileptic encephalopathy, 23. Last evaluated: 2024-01-03. Review status: criteria provided, single submitter. Criteria: Invitae Variant Classification Sherloc (09022015). Collection method: clinical testing. Allele origin: germline.
Comment: This sequence change creates a premature translational stop signal (p.Ser432Leufs*28) in the DOCK7 gene. It is expected to result in an absent or disrupted protein product. Loss-of-function variants in DOCK7 are known to be pathogenic (PMID: 24814191). This variant is not present in population databases (gnomAD no frequency). This variant has not been reported in the literature in individuals affected with DOCK7-related conditions. For these reasons, this variant has been classified as Pathogenic.

Literature cited by the submitters: PubMed 24814191.

NM_001367561.1(DOCK7):c.1290del (p.Ser432fs)

Gene: DOCK7 (dedicator of cytokinesis 7; minus strand). Cytogenetic location: 1p31.3.
Variant type: Deletion.
Coding change: c.1290del on transcript NM_001367561.1 (MANE Select); coding-DNA position 1290, one base deleted (A; older notation c.1290delA).
Protein change: p.Ser432fs; shifts the reading frame from serine 432.
Molecular consequence: frameshift variant.
Genome position (GRCh38, 1-based): chr1:62,625,394, T deleted on the plus strand (A on the coding strand, the reverse complement: DOCK7 is on the minus strand); the first of 4 consecutive T bases (chr1:62,625,394-62,625,397); deleting any one gives the same sequence. VCF-style (leftmost placement, unchanged base first): chr1-62625393-CT-C. GRCh37 (hg19) VCF-style: chr1-63091064-CT-C.
Other names: c.1290del, p.Ser432fs (NM_001271999.2, NM_001272000.2, NM_001272001.2 and 3 more transcripts); short protein forms S432fs.
Identifiers: ClinVar variation 2784311 (VCV002784311.3), dbSNP rs2522963905, ClinGen allele CA2645999428.
Genomic context (GRCh38, chr1:62,625,393, plus strand): 5'-TTGTCCTTTCAAGTGATCGTCTGCCAACAATACTAGAATTCCTCCTCTCTGACCAAGACC[CT>C]TTTCGTTCTACAAAAGAATTAAAAAAAAAATTCATTTTCATAGAAGTTAAATTTTGTTTT-3'